The following is an entry in ClinVar:

Conditions:
Breast-ovarian cancer, familial, susceptibility to, 1 (BROVCA1). Also called: BRCA1 Hereditary Breast and Ovarian Cancer; OVARIAN CANCER, SUSCEPTIBILITY TO. Identifiers: Orphanet 145, MedGen C2676676, MONDO:0011450, OMIM 604370. Disease mechanism: loss of function.

Submission:

Brotman Baty Institute, University of Washington
No classification provided (evidence only). Condition: Breast-ovarian cancer, familial 1. Review status: no classification provided. Collection method: in vitro. Allele origin: not applicable. Functional consequence: functionally_normal.
ClinVar note: "not provided" was previously submitted as the classification for the variant. However, the classification appeared to be based only on an observation of functional data so it was converted to no classification on 2025-07-30.

NM_007294.4(BRCA1):c.4942A>C (p.Lys1648Gln)

Gene: BRCA1 (BRCA1 DNA repair associated; minus strand). Cytogenetic location: 17q21.31.
Variant type: single nucleotide variant.
Coding change: c.4942A>C on transcript NM_007294.4 (MANE Select); coding-DNA position 4942, A replaced by C.
Protein change: p.Lys1648Gln; replaces lysine 1648 with glutamine.
Molecular consequence: missense variant. On other transcripts: non-coding transcript variant (1).
Genome position (GRCh38, 1-based): chr17:43,070,972, T>G on the plus strand (A>C on the coding strand, the complement: BRCA1 is on the minus strand). VCF-style: chr17-43070972-T-G. GRCh37 (hg19) VCF-style: chr17-41222989-T-G.
Other names: c.4816A>C, p.Lys1606Gln (NM_001407670.1, NM_001407671.1, NM_001407672.1 and 11 more transcripts); c.4813A>C, p.Lys1605Gln (NM_001407689.1, NM_001407681.1, NM_001407682.1 and 6 more transcripts); c.4810A>C, p.Lys1604Gln (NM_001407690.1, NM_001407691.1); c.4801A>C, p.Lys1601Gln (NM_001407692.1, NM_001407694.1, NM_001407695.1 and 13 more transcripts); c.4798A>C, p.Lys1600Gln (NM_001407734.1, NM_001407735.1, NM_001407736.1 and 21 more transcripts); c.4795A>C, p.Lys1599Gln (NM_001407838.1, NM_001407839.1, NM_001407841.1 and 12 more transcripts); c.4936A>C, p.Lys1646Gln (NM_001407861.1, NM_001407629.1, NM_001407630.1 and 14 more transcripts); c.4741A>C, p.Lys1581Gln (NM_001407862.1); and 70 more; short protein forms K1669Q, K1601Q, K1648Q, K544Q, K1351Q, K1558Q, K1576Q, K1605Q.
Identifiers: ClinVar variation 865712 (VCV000865712.3), dbSNP rs747694453, ClinGen allele CA10591641.